The following is an entry in ClinVar:

ClinVar aggregate classification (germline): Likely benign. Review status: criteria provided, multiple submitters, no conflicts (2 of 4 stars). 2 submissions from 2 submitters: Likely benign (2). Last evaluated 2025-12-26.

Conditions:
COL4A4-related disorder.

Allele frequency attached by ClinVar (database versions not stated): ExAC 0.00001; gnomAD 0.00004; gnomAD exomes 0.00004; TOPMed 0.00005; 1000 Genomes Project 0.00020; 1000 Genomes Project 30x 0.00031.
gnomAD v4.1: 44 of 1,614,006 alleles (0.0027%); highest among the groups gnomAD compares: East Asian, 0.0089%; no homozygotes.

Submissions (2):

Labcorp Genetics (formerly Invitae), Labcorp
Classification: Likely benign. Last evaluated: 2025-12-26. Review status: criteria provided, single submitter. Criteria: Invitae Variant Classification Sherloc (09022015). Collection method: clinical testing. Allele origin: germline.

PreventionGenetics, part of Exact Sciences
Classification: Likely benign for COL4A4-related condition. Last evaluated: 2025-07-21. Review status: criteria provided, single submitter. Criteria: ACMG Guidelines, 2015. Collection method: clinical testing. Allele origin: germline.
Comment: This variant is classified as likely benign based on ACMG/AMP sequence variant interpretation guidelines (Richards et al. 2015 PMID: 25741868, with internal and published modifications).

NM_000092.5(COL4A4):c.4287C>T (p.Pro1429=)

Gene: COL4A4 (collagen type IV alpha 4 chain; minus strand). Cytogenetic location: 2q36.3.
Variant type: single nucleotide variant.
Coding change: c.4287C>T on transcript NM_000092.5 (MANE Select); coding-DNA position 4287, C replaced by T.
Protein change: p.Pro1429=; no amino-acid change (proline 1429 retained).
Molecular consequence: synonymous variant.
Genome position (GRCh38, 1-based): chr2:227,012,227, G>A on the plus strand (C>T on the coding strand, the complement: COL4A4 is on the minus strand). VCF-style: chr2-227012227-G-A. GRCh37 (hg19) VCF-style: chr2-227876943-G-A.
Identifiers: ClinVar variation 752478 (VCV000752478.12), dbSNP rs555213853, ClinGen allele CA2144218.